The following is an entry in ClinVar:

ClinVar aggregate classification (germline): Pathogenic (1 of 4 stars; one submission).

Conditions:
Ataxia-telangiectasia syndrome (AT). Also called: Ataxia-telangiectasia, complementation group E; LOUIS-BAR SYNDROME; Ataxia-telangiectasia, complementation group D; AT, COMPLEMENTATION GROUP C; Ataxia-telangiectasia; Cerebello-oculocutaneous telangiectasia. Identifiers: Orphanet 100, MedGen C0004135, MONDO:0008840, OMIM 208900.

Submission:

Labcorp Genetics (formerly Invitae), Labcorp
Classification: Pathogenic for Ataxia-telangiectasia syndrome. Last evaluated: 2023-06-16. Review status: criteria provided, single submitter. Criteria: Invitae Variant Classification Sherloc (09022015). Collection method: clinical testing. Allele origin: germline.
Comment: ClinVar contains an entry for this variant (Variation ID: 1456946). This variant has not been reported in the literature in individuals affected with ATM-related conditions. This variant is present in population databases (no rsID available, gnomAD 0.0009%). This sequence change creates a premature translational stop signal (p.Gly327Glufs*19) in the ATM gene. It is expected to result in an absent or disrupted protein product. Loss-of-function variants in ATM are known to be pathogenic (PMID: 23807571, 25614872). For these reasons, this variant has been classified as Pathogenic.

Literature cited by the submitters: PubMed 23807571; PubMed 25614872.

NM_000051.4(ATM):c.980del (p.Gly327fs)

Gene: ATM (ATM serine/threonine kinase; plus strand). Cytogenetic location: 11q22.3.
Variant type: Deletion.
Coding change: c.980del on transcript NM_000051.4 (MANE Select); coding-DNA position 980, one base deleted (G; older notation c.980delG).
Protein change: p.Gly327fs; shifts the reading frame from glycine 327.
Molecular consequence: frameshift variant.
Genome position (GRCh38, 1-based): chr11:108,247,042, G deleted; the last of 2 consecutive G bases (chr11:108,247,041-108,247,042); deleting either gives the same sequence. VCF-style (leftmost placement, unchanged base first): chr11-108247040-AG-A. GRCh37 (hg19) VCF-style: chr11-108117767-AG-A.
Other names: c.980del, p.Gly327fs (NM_001351834.2); short protein forms G327fs.
Identifiers: ClinVar variation 1456946 (VCV001456946.6), dbSNP rs1331064724, ClinGen allele CA602132500.
Genomic context (GRCh38, chr11:108,247,040, plus strand): 5'-AAAATGGAGAAGTATTTTATACAACTTATATGATCTGCTAGTGAATGAGATAAGTCATAT[AG>A]GAAGTAGAGGAAAGTATTCTTCAGGATTTCGTAATATTGCCGTCAAAGAAAATTTGATTG-3'